The following is an entry in ClinVar:

NM_000155.4(GALT):c.467_468del (p.Ser156fs)

Gene: GALT (galactose-1-phosphate uridylyltransferase; plus strand). Cytogenetic location: 9p13.3.
Variant type: Deletion.
Coding change: c.467_468del on transcript NM_000155.4 (MANE Select); coding-DNA positions 467 to 468, 2 bases deleted (CA; older notation c.467_468delCA).
Protein change: p.Ser156fs; shifts the reading frame from serine 156.
Molecular consequence: frameshift variant.
Genome position (GRCh38, 1-based): chr9:34,647,921-34,647,922, CA deleted. VCF-style (leftmost placement, unchanged base first): chr9-34647920-TCA-T. GRCh37 (hg19) VCF-style: chr9-34647917-TCA-T.
Other names: c.140_141del, p.Ser47fs (NM_001258332.2); short protein forms S156fs, S47fs.
Identifiers: ClinVar variation 4817631 (VCV004817631.1).
Genomic context (GRCh38, chr9:34,647,920, plus strand): 5'-GATGTAACGCTGCCACTCATGTCGGTCCCTGAGATCCGGGCTGTTGTTGATGCATGGGCC[TCA>T]GTCACAGAGGAGCTGGGTGCCCAGTACCCTTGGGTGCAGGTTTGTGAGGTCGCCCCTTCC-3'

ClinVar aggregate classification (germline): Likely pathogenic (1 of 4 stars; one submission).

Conditions:
Galactosemia. Also called: Galactose intolerance. Identifiers: Orphanet 352, MedGen C0016952, MONDO:0018116, HP:0004919. Disease mechanism: loss of function.

Submission:

Natera, Inc.
Classification: Likely pathogenic for Galactosemia. Last evaluated: 2025-07-25. Review status: criteria provided, single submitter. Criteria: Natera Variant Classification Schema (03/2026). Collection method: clinical testing. Allele origin: germline.
Comment: The c.467_468delCA variant in GALT is a frameshift variant predicted to shift the reading frame beginning at codon 156 and leads to a stop codon 16 codons downstream. This variant is expected to result in nonsense mediated decay, truncation, or a dysfunctional protein product. This variant is rare in the general population with a frequency below the threshold expected for the associated phenotype(s). Given the available evidence, this variant is classified as Likely Pathogenic.